The following is an entry in ClinVar:

ClinVar aggregate classification (germline): Uncertain significance (1 of 4 stars; one submission).

Conditions:
Atrioventricular septal defect 5 (AVSD5). Identifiers: MedGen C3280939, MONDO:0013769, OMIM 614474.

gnomAD v4.1: 1 of 1,602,236 alleles (0.000062%); highest among the groups gnomAD compares: Non-Finnish European, 0.000085%; no homozygotes.

Submission:

Labcorp Genetics (formerly Invitae), Labcorp
Classification: Uncertain significance for Atrioventricular septal defect 5. Last evaluated: 2022-11-15. Review status: criteria provided, single submitter. Criteria: Invitae Variant Classification Sherloc (09022015). Collection method: clinical testing. Allele origin: germline.
Comment: This sequence change replaces glutamic acid, which is acidic and polar, with glutamine, which is neutral and polar, at codon 145 of the GATA6 protein (p.Glu145Gln). This variant is not present in population databases (gnomAD no frequency). In summary, the available evidence is currently insufficient to determine the role of this variant in disease. Therefore, it has been classified as a Variant of Uncertain Significance. This variant has not been reported in the literature in individuals affected with GATA6-related conditions. ClinVar contains an entry for this variant (Variation ID: 1501924). Advanced modeling of protein sequence and biophysical properties (such as structural, functional, and spatial information, amino acid conservation, physicochemical variation, residue mobility, and thermodynamic stability) performed at Invitae indicates that this missense variant is not expected to disrupt GATA6 protein function.

NM_005257.6(GATA6):c.433G>C (p.Glu145Gln)

Gene: GATA6 (GATA binding protein 6; plus strand). Cytogenetic location: 18q11.2.
Variant type: single nucleotide variant.
Coding change: c.433G>C on transcript NM_005257.6 (MANE Select); coding-DNA position 433, G replaced by C.
Protein change: p.Glu145Gln; replaces glutamic acid 145 with glutamine.
Molecular consequence: missense variant.
Genome position (GRCh38, 1-based): chr18:22,171,577, G>C. VCF-style: chr18-22171577-G-C. GRCh37 (hg19) VCF-style: chr18-19751538-G-C.
Other names: short protein forms E145Q.
Identifiers: ClinVar variation 1501924 (VCV001501924.6), dbSNP rs1403238515, ClinGen allele CA401799652.